The following is an entry in ClinVar:

ClinVar aggregate classification (germline): Uncertain significance (1 of 4 stars; one submission).

Conditions:
Mitochondrial complex V (ATP synthase) deficiency, nuclear type 2. Also called: ENCEPHALOCARDIOMYOPATHY, MITOCHONDRIAL, NEONATAL, DUE TO ATP SYNTHASE DEFICIENCY; MITOCHONDRIAL COMPLEX V (ATP SYNTHASE) DEFICIENCY, TMEM70 TYPE; Nuclear-Encoded ATPase Deficiency, TMEM70-Related. Identifiers: Orphanet 1194, MedGen C3279699, MONDO:0013546, OMIM 614052.

gnomAD v4.1: 3 of 1,600,462 alleles (0.00019%); highest among the groups gnomAD compares: Non-Finnish European, 0.00025%; no homozygotes.

Submission:

Clinical Genomics Laboratory, Stanford Medicine
Classification: Uncertain significance for Mitochondrial complex V (ATP synthase) deficiency, nuclear type 2. Last evaluated: 2023-07-25. Review status: criteria provided, single submitter. Criteria: ACMG Guidelines, 2015. Collection method: clinical testing. Allele origin: germline. Observed: 1 variant allele, 1 heterozygote.
Comment: The p.Thr21Ser variant in the TMEM70 gene has not been previously reported in association with disease. This variant was absent from large population databases, including the Genome Aggregation Database. Computational tools predict that this variant does not impact protein function; however, the accuracy of in silico algorithms is limited. These data were assessed using the ACMG/AMP variant interpretation guidelines. In summary, the significance of the p.Thr21Ser variant is uncertain. Additional information is needed to resolve the significance of this variant. [ACMG evidence codes used: PM2; BP4]

NM_017866.6(TMEM70):c.62C>G (p.Thr21Ser)

Gene: TMEM70 (transmembrane protein 70; plus strand). Cytogenetic location: 8q21.11.
Variant type: single nucleotide variant.
Coding change: c.62C>G on transcript NM_017866.6 (MANE Select); coding-DNA position 62, C replaced by G.
Protein change: p.Thr21Ser; replaces threonine 21 with serine.
Molecular consequence: missense variant. On other transcripts: non-coding transcript variant (1).
Genome position (GRCh38, 1-based): chr8:73,976,343, C>G. VCF-style: chr8-73976343-C-G. GRCh37 (hg19) VCF-style: chr8-74888578-C-G.
Other names: c.62C>G, p.Thr21Ser (NM_001040613.3); short protein forms T21S.
Identifiers: ClinVar variation 3901895 (VCV003901895.1).